The following is an entry in ClinVar:

ClinVar aggregate classification (germline): Uncertain significance. Review status: criteria provided, multiple submitters, no conflicts (2 of 4 stars). 2 submissions from 2 submitters: Uncertain significance (2). Last evaluated 2026-08-27.

Conditions:
Inborn genetic diseases. Identifiers: MedGen C0950123, MeSH D030342.

gnomAD v4.1: 3 of 1,613,980 alleles (0.00019%); highest among the groups gnomAD compares: Admixed American, 0.0017%; no homozygotes.

Submissions (2):

Ambry Genetics
Classification: Uncertain significance for Inborn genetic diseases. Last evaluated: 2026-08-27. Review status: criteria provided, single submitter. Criteria: Ambry Variant Classification Scheme 2023. Collection method: clinical testing. Allele origin: germline.

Labcorp Genetics (formerly Invitae), Labcorp
Classification: Uncertain significance. Last evaluated: 2025-01-06. Review status: criteria provided, single submitter. Criteria: Invitae Variant Classification Sherloc (09022015). Collection method: clinical testing. Allele origin: germline.
Comment: This sequence change replaces isoleucine, which is neutral and non-polar, with valine, which is neutral and non-polar, at codon 317 of the LYN protein (p.Ile317Val). This variant is not present in population databases (gnomAD no frequency). This variant has not been reported in the literature in individuals affected with LYN-related conditions. An algorithm developed to predict the effect of missense changes on protein structure and function (PolyPhen-2) suggests that this variant is likely to be tolerated. In summary, the available evidence is currently insufficient to determine the role of this variant in disease. Therefore, it has been classified as a Variant of Uncertain Significance.

NM_002350.4(LYN):c.949A>G (p.Ile317Val)

Gene: LYN (LYN proto-oncogene, Src family tyrosine kinase; plus strand). Cytogenetic location: 8q12.1.
Variant type: single nucleotide variant.
Coding change: c.949A>G on transcript NM_002350.4 (MANE Select); coding-DNA position 949, A replaced by G.
Protein change: p.Ile317Val; replaces isoleucine 317 with valine.
Molecular consequence: missense variant.
Genome position (GRCh38, 1-based): chr8:55,966,873, A>G. VCF-style: chr8-55966873-A-G. GRCh37 (hg19) VCF-style: chr8-56879432-A-G.
Other names: c.886A>G, p.Ile296Val (NM_001111097.3); c.949A>G (NM_002350.3); short protein forms I296V, I317V.
Identifiers: ClinVar variation 3697571 (VCV003697571.3).